The following is an entry in ClinVar:

NM_014476.6(PDLIM3):c.520A>G (p.Ile174Val)

Gene: PDLIM3 (PDZ and LIM domain 3; minus strand). Cytogenetic location: 4q35.1.
Variant type: single nucleotide variant.
Coding change: c.520A>G on transcript NM_014476.6 (MANE Select); coding-DNA position 520, A replaced by G.
Protein change: p.Ile174Val; replaces isoleucine 174 with valine.
Molecular consequence: missense variant. On other transcripts: intron variant (3).
Genome position (GRCh38, 1-based): chr4:185,508,441, T>C on the plus strand (A>G on the coding strand, the complement: PDLIM3 is on the minus strand). VCF-style: chr4-185508441-T-C. GRCh37 (hg19) VCF-style: chr4-186429595-T-C.
Other names: c.162-1789A>G (NM_001257963.2); c.399-1789A>G (NM_001257962.2); c.519-1789A>G (NM_001114107.5); short protein forms I174V.
Identifiers: ClinVar variation 2448560 (VCV002448560.2), dbSNP rs1328220969, ClinGen allele CA358923988.

ClinVar aggregate classification (germline): Uncertain significance (1 of 4 stars; one submission).

Submission:

Ambry Genetics
Classification: Uncertain significance. Last evaluated: 2023-01-05. Review status: criteria provided, single submitter. Criteria: Ambry Variant Classification Scheme 2023. Collection method: clinical testing. Allele origin: germline.
Comment: The p.I174V variant (also known as c.520A>G), located in coding exon 5 of the PDLIM3 gene, results from an A to G substitution at nucleotide position 520. The isoleucine at codon 174 is replaced by valine, an amino acid with highly similar properties. This amino acid position is conserved. In addition, this alteration is predicted to be tolerated by in silico analysis. Since supporting evidence is limited at this time, the clinical significance of this alteration remains unclear.